The following is an entry in ClinVar:

ClinVar aggregate classification (germline): Uncertain significance (1 of 4 stars; one submission).

Conditions:
Autosomal recessive limb-girdle muscular dystrophy type 2J (LGMDR10). Also called: Limb-girdle muscular dystrophy, type 2J; MUSCULAR DYSTROPHY, LIMB-GIRDLE, AUTOSOMAL RECESSIVE 10. Identifiers: Orphanet 140922, MedGen C1837342, MONDO:0012127, OMIM 608807.
Dilated cardiomyopathy 1G (CMD1G). Identifiers: Orphanet 154, MedGen C1858763, MONDO:0011400, OMIM 604145.

gnomAD v4.1: 8 of 1,610,602 alleles (0.0005%); highest among the groups gnomAD compares: East Asian, 0.0022%; no homozygotes.

Submission:

Labcorp Genetics (formerly Invitae), Labcorp
Classification: Uncertain significance for Dilated cardiomyopathy 1G; Autosomal recessive limb-girdle muscular dystrophy type 2J. Last evaluated: 2025-07-06. Review status: criteria provided, single submitter. Criteria: Invitae Variant Classification Sherloc (09022015). Collection method: clinical testing. Allele origin: germline.
Comment: This sequence change replaces glutamic acid, which is acidic and polar, with lysine, which is basic and polar, at codon 8828 of the TTN protein (p.Glu8828Lys). This variant also falls at the last nucleotide of exon 91, which is part of the consensus splice site for this exon. This variant is not present in population databases (gnomAD no frequency). This variant has not been reported in the literature in individuals affected with TTN-related conditions. ClinVar contains an entry for this variant (Variation ID: 3762584). Experimental studies and prediction algorithms are not available or were not evaluated, and the functional significance of this variant is currently unknown. Variants that disrupt the consensus splice site are a relatively common cause of aberrant splicing (PMID: 17576681, 9536098). Algorithms developed to predict the effect of sequence changes on RNA splicing suggest that this variant may disrupt the consensus splice site. This variant is located in the I band of TTN (PMID: 25589632). Non-truncating variants in this region may be clinically relevant, but have not been definitively shown to cause cardiomyopathy or neuromuscular disease (PMID: 27493940, 32778822). In summary, the available evidence is currently insufficient to determine the role of this variant in disease. Therefore, it has been classified as a Variant of Uncertain Significance.

Literature cited by the submitters: PubMed 17576681; PubMed 9536098; PubMed 25589632; PubMed 27493940; PubMed 32778822.

NM_001267550.2(TTN):c.26482G>A (p.Glu8828Lys)

Gene: TTN (titin; minus strand). Cytogenetic location: 2q31.2.
Variant type: single nucleotide variant.
Coding change: c.26482G>A on transcript NM_001267550.2 (MANE Select); coding-DNA position 26482, G replaced by A.
Protein change: p.Glu8828Lys; replaces glutamic acid 8828 with lysine.
Molecular consequence: missense variant. On other transcripts: intron variant (3).
Genome position (GRCh38, 1-based): chr2:178,714,292, C>T on the plus strand (G>A on the coding strand, the complement: TTN is on the minus strand). VCF-style: chr2-178714292-C-T. GRCh37 (hg19) VCF-style: chr2-179579019-C-T.
Other names: c.25531G>A, p.Glu8511Lys (NM_001256850.1); c.22750G>A, p.Glu7584Lys (NM_133378.4); c.13282+23790G>A (NM_003319.4); c.13858+23790G>A (NM_133437.4); c.13657+23790G>A (NM_133432.3); short protein forms E7584K, E8511K, E8828K.
Identifiers: ClinVar variation 3762584 (VCV003762584.2).